The following is an entry in ClinVar:

ClinVar aggregate classification (germline): Benign. Review status: criteria provided, multiple submitters, no conflicts (2 of 4 stars). 5 submissions from 5 submitters: Benign (4). 1 of the submissions does not count toward it. Last evaluated 2026-02-02.

Conditions:
FAT4-related disorder. Also called: FAT4-related condition.

Allele frequency attached by ClinVar (database versions not stated): 1000 Genomes Project 30x 0.02577; gnomAD exomes 0.00206 and 0.00559; ExAC 0.00709; gnomAD 0.02170 and 0.02342; ESP Exome Variant Server 0.02322; TOPMed 0.02441; 1000 Genomes Project 0.02496.
gnomAD v4.1: 6,393 of 1,614,036 alleles (0.4%); highest among the groups gnomAD compares: African/African-American, 7.7%; 234 homozygotes.

Submissions (5):

Labcorp Genetics (formerly Invitae), Labcorp
Classification: Benign. Last evaluated: 2026-02-02. Review status: criteria provided, single submitter. Criteria: Invitae Variant Classification Sherloc (09022015). Collection method: clinical testing. Allele origin: germline.

ARUP Laboratories, Molecular Genetics and Genomics, ARUP Laboratories
Classification: Benign. Last evaluated: 2023-11-29. Review status: criteria provided, single submitter. Criteria: ARUP Molecular Germline Variant Investigation Process 2024. Collection method: clinical testing. Allele origin: germline.

GeneDx
Classification: Benign. Last evaluated: 2016-07-11. Review status: criteria provided, single submitter. Criteria: GeneDx Variant Classification (06012015). Collection method: clinical testing. Allele origin: germline. Affected: yes.
Comment: This variant is considered likely benign or benign based on one or more of the following criteria: it is a conservative change, it occurs at a poorly conserved position in the protein, it is predicted to be benign by multiple in silico algorithms, and/or has population frequency not consistent with disease.

Breakthrough Genomics
Classification: Benign. Review status: criteria provided, single submitter. Criteria: ACMG Guidelines, 2015. Collection method: not provided. Allele origin: germline. Inheritance: Autosomal recessive inheritance. Affected: yes.

PreventionGenetics, part of Exact Sciences
Classification: Benign for FAT4-related condition. Last evaluated: 2020-11-30. Review status: no assertion criteria provided. Collection method: clinical testing. Allele origin: germline. Not counted in ClinVar's aggregate classification.
Comment: This variant is classified as benign based on ACMG/AMP sequence variant interpretation guidelines (Richards et al. 2015 PMID: 25741868, with internal and published modifications).

NM_001291303.3(FAT4):c.11488A>G (p.Lys3830Glu)

Gene: FAT4 (FAT atypical cadherin 4; plus strand). Cytogenetic location: 4q28.1.
Variant type: single nucleotide variant.
Coding change: c.11488A>G on transcript NM_001291303.3 (MANE Select); coding-DNA position 11488, A replaced by G.
Protein change: p.Lys3830Glu; replaces lysine 3830 with glutamic acid.
Molecular consequence: missense variant.
Genome position (GRCh38, 1-based): chr4:125,452,498, A>G. VCF-style: chr4-125452498-A-G. GRCh37 (hg19) VCF-style: chr4-126373653-A-G.
Other names: c.11488A>G, p.Lys3830Glu (NM_001291285.3); c.11482A>G, p.Lys3828Glu (NM_024582.6); short protein forms K3828E, K3830E.
Identifiers: ClinVar variation 385985 (VCV000385985.14), dbSNP rs17009684, ClinGen allele CA3073860.